The following is an entry in ClinVar:

NM_198965.2(PTHLH):c.481_482insT (p.His161fs)

Gene: PTHLH (parathyroid hormone like hormone; minus strand). Cytogenetic location: 12p11.22.
Variant type: Insertion.
Coding change: c.481_482insT on transcript NM_198965.2 (MANE Select); coding-DNA positions 481 to 482, T inserted.
Protein change: p.His161fs; shifts the reading frame from histidine 161.
Molecular consequence: frameshift variant.
Genome position: GRCh38 VCF-style: chr12-27963390-T-TA. GRCh37 (hg19) VCF-style: chr12-28116323-T-TA.
Other names: c.481_482insT, p.His161fs (NM_002820.3, NM_198964.2, NM_198966.2); short protein forms H161fs.
Identifiers: ClinVar variation 2628736 (VCV002628736.3), dbSNP rs1195221644, ClinGen allele CA687003672.

ClinVar aggregate classification (germline): Uncertain significance. Review status: criteria provided, multiple submitters, no conflicts (2 of 4 stars). 2 submissions from 2 submitters: Uncertain significance (2). Last evaluated 2026-05-29.

Conditions:
PTHLH-related disorder. Also called: PTHLH-related condition.

Allele frequency attached by ClinVar (database versions not stated): TOPMed below 0.00001.

Submissions (2):

PreventionGenetics, part of Exact Sciences
Classification: Uncertain significance for PTHLH-related condition. Last evaluated: 2026-05-29. Review status: criteria provided, single submitter. Criteria: ACMG Guidelines, 2015. Collection method: clinical testing. Allele origin: germline.
Comment: The PTHLH c.481_482insT variant is predicted to result in a frameshift and premature protein termination (p.His161Leufs*4). To our knowledge, this variant has not been reported in the literature or in a large population database (gnomAD), indicating this variant is rare. This variant occurs in the last 50 nucleotides of the pen-ultimate exon and it is unclear if the resulting mRNA would undergo nonsense-mediated decay. Furthermore, a limited number of loss of function variants have been reported in this gene in association with brachydactyly type E2, and all occur upstream of this variant (Human Gene Mutation Database, HGMD). Although we suspect that this variant may be pathogenic, at this time, the clinical significance of this variant is uncertain due to the absence of conclusive functional and genetic evidence.

Labcorp Genetics (formerly Invitae), Labcorp
Classification: Uncertain significance. Last evaluated: 2026-01-12. Review status: criteria provided, single submitter. Criteria: Invitae Variant Classification Sherloc (09022015). Collection method: clinical testing. Allele origin: germline.
Comment: This sequence change creates a premature translational stop signal (p.His161Leufs*4) in the PTHLH gene. While this is not anticipated to result in nonsense mediated decay, it is expected to disrupt the last 17 amino acid(s) of the PTHLH protein. This variant is not present in population databases (gnomAD no frequency). This variant has not been reported in the literature in individuals affected with PTHLH-related conditions. ClinVar contains an entry for this variant (Variation ID: 2628736). Experimental studies and prediction algorithms are not available or were not evaluated, and the functional significance of this variant is currently unknown. In summary, the available evidence is currently insufficient to determine the role of this variant in disease. Therefore, it has been classified as a Variant of Uncertain Significance.